The following is an entry in ClinVar:

NM_182476.3(COQ6):c.855T>G (p.Asp285Glu)

Genes: COQ6 (coenzyme Q6, monooxygenase; plus strand), ENTPD5 (ectonucleoside triphosphate diphosphohydrolase 5; minus strand). Cytogenetic location: 14q24.3.
Variant type: single nucleotide variant.
Coding change: c.855T>G on transcript NM_182476.3 (MANE Select); coding-DNA position 855, T replaced by G.
Protein change: p.Asp285Glu; replaces aspartic acid 285 with glutamic acid.
Molecular consequence: missense variant. On other transcripts: 3 prime UTR variant (3), intron variant (4).
Genome position (GRCh38, 1-based): chr14:73,959,486, T>G. VCF-style: chr14-73959486-T-G. GRCh37 (hg19) VCF-style: chr14-74426189-T-G.
Other names: c.855T>G (NM_182476.2); c.855T>G, p.Asp285Glu (NM_001425255.1); c.690T>G, p.Asp230Glu (NM_001425257.1); c.630T>G, p.Asp210Glu (NM_001425259.1, NM_001425260.1, NM_001425261.1); c.600T>G, p.Asp200Glu (NM_001425262.1); c.528T>G, p.Asp176Glu (NM_001425263.1); c.315T>G, p.Asp105Glu (NM_001425264.1, NM_001425265.1); c.780T>G, p.Asp260Glu (NM_182480.3); and 5 more; short protein forms D260E, D285E.
Identifiers: ClinVar variation 1483424 (VCV001483424.10), dbSNP rs2056604424, ClinGen allele CA390375936.

ClinVar aggregate classification (germline): Uncertain significance. Review status: criteria provided, multiple submitters, no conflicts (2 of 4 stars). 4 submissions from 4 submitters: Uncertain significance (4). Last evaluated 2025-06-16.

Conditions:
Familial steroid-resistant nephrotic syndrome with sensorineural deafness. Identifiers: Orphanet 280406, MedGen C3553349, MONDO:0013836, OMIM 614650.
Inborn genetic diseases. Identifiers: MedGen C0950123, MeSH D030342.

Allele frequency attached by ClinVar (database versions not stated): TOPMed 0.00001; gnomAD exomes below 0.00001.
gnomAD v4.1: 1 of 1,614,166 alleles (0.000062%); highest among the groups gnomAD compares: Admixed American, 0.0017%; no homozygotes.

Submissions (4):

Ambry Genetics
Classification: Uncertain significance for Inborn genetic diseases. Last evaluated: 2025-06-16. Review status: criteria provided, single submitter. Criteria: Ambry Variant Classification Scheme 2023. Collection method: clinical testing. Allele origin: germline.

GeneDx
Classification: Uncertain significance. Last evaluated: 2024-09-11. Review status: criteria provided, single submitter. Criteria: GeneDx Variant Classification Process June 2021. Collection method: clinical testing. Allele origin: germline. Affected: yes.
Comment: Not observed at significant frequency in large population cohorts (gnomAD); In silico analysis indicates that this missense variant does not alter protein structure/function; Has not been previously published as pathogenic or benign to our knowledge

Fulgent Genetics
Classification: Uncertain significance for Familial steroid-resistant nephrotic syndrome with sensorineural deafness. Last evaluated: 2024-05-19. Review status: criteria provided, single submitter. Criteria: ACMG Guidelines, 2015. Collection method: clinical testing. Allele origin: germline.

Labcorp Genetics (formerly Invitae), Labcorp
Classification: Uncertain significance. Last evaluated: 2021-08-27. Review status: criteria provided, single submitter. Criteria: Invitae Variant Classification Sherloc (09022015). Collection method: clinical testing. Allele origin: germline.
Comment: This sequence change replaces aspartic acid with glutamic acid at codon 285 of the COQ6 protein (p.Asp285Glu). The aspartic acid residue is moderately conserved and there is a small physicochemical difference between aspartic acid and glutamic acid. This variant is not present in population databases (ExAC no frequency). This variant has not been reported in the literature in individuals affected with COQ6-related conditions. Algorithms developed to predict the effect of missense changes on protein structure and function output the following: SIFT: "Tolerated"; PolyPhen-2: "Benign"; Align-GVGD: "Class C0". The glutamic acid amino acid residue is found in multiple mammalian species, which suggests that this missense change does not adversely affect protein function. In summary, the available evidence is currently insufficient to determine the role of this variant in disease. Therefore, it has been classified as a Variant of Uncertain Significance.